The following is an entry in ClinVar:

ClinVar aggregate classification (germline): Uncertain significance (1 of 4 stars; one submission).

Conditions:
Neurofibromatosis, type 1 (NF1). Also called: Peripheral type neurofibromatosis; VON RECKLINGHAUSEN DISEASE; Neurofibromatosis, type I; NEUROFIBROMATOSIS, TYPE I, SOMATIC. Identifiers: Orphanet 636, MedGen C0027831, MONDO:0018975, OMIM 162200. Disease mechanism: loss of function.

Submission:

Labcorp Genetics (formerly Invitae), Labcorp
Classification: Uncertain significance for Neurofibromatosis, type 1. Last evaluated: 2019-02-12. Review status: criteria provided, single submitter. Criteria: Invitae Variant Classification Sherloc (09022015). Collection method: clinical testing. Allele origin: germline.
Comment: In summary, the available evidence is currently insufficient to determine the role of this variant in disease. Therefore, it has been classified as a Variant of Uncertain Significance. Algorithms developed to predict the effect of sequence changes on RNA splicing suggest that this variant may create or strengthen a splice site, but this prediction has not been confirmed by published transcriptional studies. Experimental studies and prediction algorithms are not available for this variant, and the functional significance of the affected amino acid(s) is currently unknown. This variant has not been reported in the literature in individuals with NF1-related conditions. This variant is not present in population databases (ExAC no frequency). This variant, c.4148_4150dup, results in the insertion of 1 amino acid(s) to the NF1 protein (p.Ala1383dup), but otherwise preserves the integrity of the reading frame.

NM_001042492.3(NF1):c.4211_4213dup (p.Ala1404_Val1405insAla)

Gene: NF1 (neurofibromin 1; plus strand). Cytogenetic location: 17q11.2.
Variant type: Duplication.
Coding change: c.4211_4213dup on transcript NM_001042492.3 (MANE Select); coding-DNA positions 4211 to 4213, 3 bases duplicated (CAG; older notation c.4211_4213dupCAG).
Protein change: p.Ala1404_Val1405insAla.
Molecular consequence: inframe insertion. On other transcripts: inframe indel (1).
Genome position (GRCh38, 1-based): chr17:31,258,381-31,258,383, CAG duplicated; duplicating any 3 consecutive bases within chr17:31,258,380-31,258,383 gives the same sequence; the c. name uses the placement nearest the transcript's 3' end. VCF-style (leftmost placement, unchanged base first): chr17-31258379-T-TGCA. GRCh37 (hg19) VCF-style: chr17-29585397-T-TGCA.
Other names: c.4148_4150dup, p.Ala1383_Val1384insAla (NM_000267.4).
Identifiers: ClinVar variation 844325 (VCV000844325.6), dbSNP rs2067621081, ClinGen allele CA916080597.